The following is an entry in ClinVar:

ClinVar aggregate classification (germline): Uncertain significance (1 of 4 stars; one submission).

Submission:

Labcorp Genetics (formerly Invitae), Labcorp
Classification: Uncertain significance. Last evaluated: 2023-11-06. Review status: criteria provided, single submitter. Criteria: Invitae Variant Classification Sherloc (09022015). Collection method: clinical testing. Allele origin: germline.
Comment: This sequence change replaces serine, which is neutral and polar, with proline, which is neutral and non-polar, at codon 614 of the MYH3 protein (p.Ser614Pro). This variant is not present in population databases (gnomAD no frequency). This variant has not been reported in the literature in individuals affected with MYH3-related conditions. Advanced modeling of protein sequence and biophysical properties (such as structural, functional, and spatial information, amino acid conservation, physicochemical variation, residue mobility, and thermodynamic stability) performed at Invitae indicates that this missense variant is not expected to disrupt MYH3 protein function with a negative predictive value of 95%. In summary, the available evidence is currently insufficient to determine the role of this variant in disease. Therefore, it has been classified as a Variant of Uncertain Significance.

NM_002470.4(MYH3):c.1840T>C (p.Ser614Pro)

Gene: MYH3 (myosin heavy chain 3; minus strand). Cytogenetic location: 17p13.1.
Variant type: single nucleotide variant.
Coding change: c.1840T>C on transcript NM_002470.4 (MANE Select); coding-DNA position 1840, T replaced by C.
Protein change: p.Ser614Pro; replaces serine 614 with proline.
Molecular consequence: missense variant.
Genome position (GRCh38, 1-based): chr17:10,642,465, A>G on the plus strand (T>C on the coding strand, the complement: MYH3 is on the minus strand). VCF-style: chr17-10642465-A-G. GRCh37 (hg19) VCF-style: chr17-10545782-A-G.
Other names: short protein forms S614P.
Identifiers: ClinVar variation 2693652 (VCV002693652.3), dbSNP rs2508611646, ClinGen allele CA398170741.
Genomic context (GRCh38, chr17:10,642,465, plus strand): 5'-CACTCCTCTTACCATCCGCCGTGGCAAACGTGGCATAGAGGTGTGCCAGGAGCCTGTTGG[A>G]AGACTTCTGGTACAGCCCAACCACAGTCTCGTTCAGAGGGTCCTTGTTCTTCTCCAGCCA-3'
Protein context (NP_002461.2, residues 604-624): ETVVGLYQKS[Ser614Pro]NRLLAHLYAT